The following is an entry in ClinVar:

NM_015466.4(PTPN23):c.4717_4719dup (p.Pro1573dup)

Gene: PTPN23 (protein tyrosine phosphatase non-receptor type 23; plus strand). Cytogenetic location: 3p21.31.
Variant type: Duplication.
Coding change: c.4717_4719dup on transcript NM_015466.4 (MANE Select); coding-DNA positions 4717 to 4719, 3 bases duplicated (CCC; older notation c.4717_4719dupCCC).
Protein change: p.Pro1573dup; duplicates proline 1573.
Molecular consequence: inframe insertion.
Genome position (GRCh38, 1-based): chr3:47,412,991-47,412,993, CCC duplicated; duplicating any 3 consecutive bases within chr3:47,412,988-47,412,993 gives the same sequence; the c. name uses the placement nearest the transcript's 3' end. VCF-style (leftmost placement, unchanged base first): chr3-47412987-G-GCCC. GRCh37 (hg19) VCF-style: chr3-47454477-G-GCCC.
Other names: c.4339_4341dup, p.Pro1447dup (NM_001304482.2).
Identifiers: ClinVar variation 1496853 (VCV001496853.4), dbSNP rs746622737, ClinGen allele CA2366686.

ClinVar aggregate classification (germline): Uncertain significance. Review status: criteria provided, multiple submitters, no conflicts (2 of 4 stars). 2 submissions from 2 submitters: Uncertain significance (2). Last evaluated 2024-04-23.

Submissions (2):

Blueprint Genetics
Classification: Uncertain significance. Last evaluated: 2024-04-23. Review status: criteria provided, single submitter. Criteria: ACMG Guidelines, 2015. Collection method: clinical testing. Allele origin: germline.

Labcorp Genetics (formerly Invitae), Labcorp
Classification: Uncertain significance. Last evaluated: 2022-10-17. Review status: criteria provided, single submitter. Criteria: Invitae Variant Classification Sherloc (09022015). Collection method: clinical testing. Allele origin: germline.
Comment: This variant, c.4717_4719dup, results in the insertion of 1 amino acid(s) of the PTPN23 protein (p.Pro1573dup), but otherwise preserves the integrity of the reading frame. This variant is present in population databases (rs746622737, gnomAD 0.006%). This variant has not been reported in the literature in individuals affected with PTPN23-related conditions. ClinVar contains an entry for this variant (Variation ID: 1496853). Experimental studies and prediction algorithms are not available or were not evaluated, and the functional significance of this variant is currently unknown. In summary, the available evidence is currently insufficient to determine the role of this variant in disease. Therefore, it has been classified as a Variant of Uncertain Significance.